The following is an entry in ClinVar:

ClinVar aggregate classification (germline): Uncertain significance (1 of 4 stars; one submission).

Conditions:
Malignant hyperthermia, susceptibility to, 1 (MHS1). Also called: RYR1-Related Malignant Hyperthermia Susceptibility; Anesthesia related hyperthermia; Malignant hyperpyrexia; Fulminating hyperpyrexia; Pharmacogenic myopathy; Malignant hyperthermia suceptibility 1. Identifiers: Orphanet 423, MedGen C2930980, MONDO:0007783, OMIM 145600.

Submission:

All of Us Research Program, National Institutes of Health
Classification: Uncertain significance for Malignant hyperthermia, susceptibility to, 1. Last evaluated: 2023-03-04. Review status: criteria provided, single submitter. Criteria: ACMG Guidelines, 2015. Collection method: clinical testing. Allele origin: germline. Inheritance: Autosomal dominant inheritance. Observed: 1 variant allele, 1 heterozygote.
Comment: This study involves interpretation of variants in research participants for the purpose of population health screening. Participant phenotype was not available at the time of variant classification. Additional details can be found in publication PMID: 35346344, PMCID: PMC8962531

NM_000540.3(RYR1):c.1918G>A (p.Val640Ile)

Gene: RYR1 (ryanodine receptor 1; plus strand). Cytogenetic location: 19q13.2.
Variant type: single nucleotide variant.
Coding change: c.1918G>A on transcript NM_000540.3 (MANE Select); coding-DNA position 1918, G replaced by A.
Protein change: p.Val640Ile; replaces valine 640 with isoleucine.
Molecular consequence: missense variant.
Genome position (GRCh38, 1-based): chr19:38,457,623, G>A. VCF-style: chr19-38457623-G-A. GRCh37 (hg19) VCF-style: chr19-38948263-G-A.
Other names: c.1918G>A, p.Val640Ile (NM_001042723.2); short protein forms V640I.
Identifiers: ClinVar variation 3069463 (VCV003069463.1), dbSNP rs2514038886, ClinGen allele CA405694376.